The following is an entry in ClinVar:

ClinVar aggregate classification (germline): Uncertain significance. Review status: criteria provided, multiple submitters, no conflicts (2 of 4 stars). 3 submissions from 3 submitters: Uncertain significance (3). Last evaluated 2025-06-12.

Conditions:
Hypersulfaturia (HYSULF). Identifiers: MedGen C5830511, MONDO:0957268, OMIM 620372.
Nephrolithiasis susceptibility caused by SLC26A1 (CAON1). Also called: NEPHROLITHIASIS, CALCIUM OXALATE, 1. Identifiers: MedGen C5779632, MONDO:0020722, OMIM 167030.
Inborn genetic diseases. Identifiers: MedGen C0950123, MeSH D030342.

Allele frequency attached by ClinVar (database versions not stated): ESP Exome Variant Server 0.00008; 1000 Genomes Project 30x 0.00016; 1000 Genomes Project 0.00020; ExAC 0.00030.
gnomAD v4.1: 271 of 1,563,450 alleles (0.017%); highest among the groups gnomAD compares: African/African-American, 0.082%; no homozygotes.

Submissions (3):

Labcorp Genetics (formerly Invitae), Labcorp
Classification: Uncertain significance. Last evaluated: 2025-06-12. Review status: criteria provided, single submitter. Criteria: Invitae Variant Classification Sherloc (09022015). Collection method: clinical testing. Allele origin: germline.
Comment: This sequence change replaces valine, which is neutral and non-polar, with methionine, which is neutral and non-polar, at codon 261 of the SLC26A1 protein (p.Val261Met). This variant is present in population databases (rs139938830, gnomAD 0.1%), and has an allele count higher than expected for a pathogenic variant. This variant has not been reported in the literature in individuals affected with SLC26A1-related conditions. ClinVar contains an entry for this variant (Variation ID: 2711716). Invitae Evidence Modeling of protein sequence and biophysical properties (such as structural, functional, and spatial information, amino acid conservation, physicochemical variation, residue mobility, and thermodynamic stability) indicates that this missense variant is not expected to disrupt SLC26A1 protein function with a negative predictive value of 80%. In summary, the available evidence is currently insufficient to determine the role of this variant in disease. Therefore, it has been classified as a Variant of Uncertain Significance.

Fulgent Genetics
Classification: Uncertain significance for Nephrolithiasis susceptibility caused by SLC26A1; Hypersulfaturia. Last evaluated: 2024-01-09. Review status: criteria provided, single submitter. Criteria: ACMG Guidelines, 2015. Collection method: clinical testing. Allele origin: germline.

Ambry Genetics
Classification: Uncertain significance for Inborn genetic diseases. Last evaluated: 2023-12-28. Review status: criteria provided, single submitter. Criteria: Ambry Variant Classification Scheme 2023. Collection method: clinical testing. Allele origin: germline.

NM_022042.4(SLC26A1):c.781G>A (p.Val261Met)

Genes: IDUA (alpha-L-iduronidase; plus strand), SLC26A1 (solute carrier family 26 member 1; minus strand). Cytogenetic location: 4p16.3.
Variant type: single nucleotide variant.
Coding change: c.781G>A on transcript NM_022042.4 (MANE Select); coding-DNA position 781, G replaced by A.
Protein change: p.Val261Met; replaces valine 261 with methionine.
Molecular consequence: missense variant. On other transcripts: intron variant (2).
Genome position (GRCh38, 1-based): chr4:990,158, C>T on the plus strand (G>A on the coding strand, the complement: SLC26A1 is on the minus strand). VCF-style: chr4-990158-C-T. GRCh37 (hg19) VCF-style: chr4-983946-C-T.
Other names: c.781G>A, p.Val261Met (NM_213613.4); c.576+970G>A (NM_134425.4); c.299+2209C>T (NM_000203.5); short protein forms V261M.
Identifiers: ClinVar variation 2711716 (VCV002711716.5), dbSNP rs139938830, ClinGen allele CA2801546.